The following is an entry in ClinVar:

NM_002234.4(KCNA5):c.757G>A (p.Ala253Thr)

Gene: KCNA5 (potassium voltage-gated channel subfamily A member 5; plus strand). Cytogenetic location: 12p13.32.
Variant type: single nucleotide variant.
Coding change: c.757G>A on transcript NM_002234.4 (MANE Select); coding-DNA position 757, G replaced by A.
Protein change: p.Ala253Thr; replaces alanine 253 with threonine.
Molecular consequence: missense variant.
Genome position (GRCh38, 1-based): chr12:5,044,904, G>A. VCF-style: chr12-5044904-G-A. GRCh37 (hg19) VCF-style: chr12-5154070-G-A.
Other names: short protein forms A253T.
Identifiers: ClinVar variation 842461 (VCV000842461.9), dbSNP rs1343401682, ClinGen allele CA383465094.
Genomic context (GRCh38, chr12:5,044,904, plus strand): 5'-CAGCGCCAGGTGTGGCTTATCTTCGAGTATCCGGAGAGCTCTGGGTCCGCGCGGGCCATC[G>A]CCATCGTCTCGGTCTTGGTTATCCTCATCTCCATCATCACCTTCTGCTTGGAGACCCTGC-3'
Protein context (NP_002225.2, residues 243-263): PESSGSARAI[Ala253Thr]IVSVLVILIS

ClinVar aggregate classification (germline): Uncertain significance (1 of 4 stars; one submission).

Conditions:
Atrial fibrillation, familial, 7 (ATFB7). Identifiers: MedGen C2677106, MONDO:0012828, OMIM 612240.

Allele frequency attached by ClinVar (database versions not stated): gnomAD exomes below 0.00001 and 0.00002.

Submission:

Labcorp Genetics (formerly Invitae), Labcorp
Classification: Uncertain significance for Atrial fibrillation, familial, 7. Last evaluated: 2025-05-26. Review status: criteria provided, single submitter. Criteria: Invitae Variant Classification Sherloc (09022015). Collection method: clinical testing. Allele origin: germline.
Comment: This sequence change replaces alanine, which is neutral and non-polar, with threonine, which is neutral and polar, at codon 253 of the KCNA5 protein (p.Ala253Thr). This variant is present in population databases (no rsID available, gnomAD 0.0009%). This variant has not been reported in the literature in individuals affected with KCNA5-related conditions. ClinVar contains an entry for this variant (Variation ID: 842461). Invitae Evidence Modeling of protein sequence and biophysical properties (such as structural, functional, and spatial information, amino acid conservation, physicochemical variation, residue mobility, and thermodynamic stability) indicates that this missense variant is not expected to disrupt KCNA5 protein function with a negative predictive value of 80%. In summary, the available evidence is currently insufficient to determine the role of this variant in disease. Therefore, it has been classified as a Variant of Uncertain Significance.